The following is an entry in ClinVar:

ClinVar aggregate classification (germline): Pathogenic/Likely pathogenic. Review status: criteria provided, multiple submitters, no conflicts (2 of 4 stars). 6 submissions from 6 submitters: Pathogenic (1); Likely pathogenic (3). 2 of the submissions do not count toward it. Last evaluated 2025-12-22.

Conditions:
Combined oxidative phosphorylation defect type 13. Also called: Combined oxidative phosphorylation deficiency 13. Identifiers: Orphanet 319514, MedGen C4706283, MONDO:0013977, OMIM 614932.
Autosomal recessive PNPT1-related disorders.
Inborn genetic diseases. Identifiers: MedGen C0950123, MeSH D030342.

Allele frequency attached by ClinVar (database versions not stated): TOPMed below 0.00001.
gnomAD v4.1: 9 of 1,613,248 alleles (0.00056%); highest among the groups gnomAD compares: Admixed American, 0.012%; no homozygotes.

Submissions (6):

Variantyx, Inc.
Classification: Likely pathogenic for Autosomal recessive PNPT1-related disorders. Last evaluated: 2025-12-22. Review status: criteria provided, single submitter. Criteria: Variantyx Assertion Criteria 2022. Collection method: clinical testing. Allele origin: germline. Inheritance: Autosomal recessive inheritance. Affected: no.
Comment: This is a nonsynonymous variant in the PNPT1 gene (OMIM: 610316). Pathogenic variants in this gene have been associated with autosomal recessive PNPT1-related disorders. This variant has been identified in the homozygous or compound heterozygous state in at least 3 individuals reported in the published literature (PMID: 33199448, 30046113, 28645153) (PM3_Strong). Computational algorithms produce conflicting evidence regarding the predicted functional impact of this variant (REVEL score: 0.591), but an Aaternate amino acid change at this position (p.Arg136Cys) has been previously reported in similarly affected individuals, which suggests that this residue is biologically important (PMID:31752325) (PM5). This variant has a 0.0117% maximum allele frequency in non-founder control populations (PM2). Based on the current evidence, this variant is classified as likely pathogenic for autosomal recessive PNPT1-related disorders.

Labcorp Genetics (formerly Invitae), Labcorp
Classification: Pathogenic. Last evaluated: 2025-11-03. Review status: criteria provided, single submitter. Criteria: Invitae Variant Classification Sherloc (09022015). Collection method: clinical testing. Allele origin: germline.
Comment: This sequence change replaces arginine, which is basic and polar, with histidine, which is basic and polar, at codon 136 of the PNPT1 protein (p.Arg136His). This variant is present in population databases (rs746356243, gnomAD 0.02%). This missense change has been observed in individual(s) with combined oxidative phosphorylation deficiency (PMID: 28645153, 30046113, 33199448). In at least one individual the data is consistent with being in trans (on the opposite chromosome) from a pathogenic variant. ClinVar contains an entry for this variant (Variation ID: 587375). Invitae Evidence Modeling of protein sequence and biophysical properties (such as structural, functional, and spatial information, amino acid conservation, physicochemical variation, residue mobility, and thermodynamic stability) has been performed for this missense variant. However, the output from this modeling did not meet the statistical confidence thresholds required to predict the impact of this variant on PNPT1 protein function. For these reasons, this variant has been classified as Pathogenic.

Ambry Genetics
Classification: Likely pathogenic for Inborn genetic diseases. Last evaluated: 2024-11-25. Review status: criteria provided, single submitter. Criteria: Ambry Variant Classification Scheme 2023. Collection method: clinical testing. Allele origin: germline.
Comment: The c.407G>A (p.R136H) alteration is located in exon 5 (coding exon 5) of the PNPT1 gene. This alteration results from a G to A substitution at nucleotide position 407, causing the arginine (R) at amino acid position 136 to be replaced by a histidine (H). Based on data from gnomAD, the A allele has an overall frequency of 0.002% (6/251096) total alleles studied. This variant has been identified in the homozygous state and/or in conjunction with other PNPT1 variant(s) in individual(s) with features consistent with PNPT1-related combined oxidative phosphorylation deficiency (Maitlainen, 2017; Pennisi, 2022; Leon-Ojeda, 2024). This amino acid position is highly conserved in available vertebrate species. This alteration is predicted to be deleterious by in silico analysis. Based on the available evidence, this alteration is classified as likely pathogenic.

GeneDx
Classification: Likely pathogenic. Last evaluated: 2024-08-28. Review status: criteria provided, single submitter. Criteria: GeneDx Variant Classification Process June 2021. Collection method: clinical testing. Allele origin: germline. Affected: yes.
Comment: Not observed at significant frequency in large population cohorts (gnomAD); In silico analysis supports that this missense variant has a deleterious effect on protein structure/function; This variant is associated with the following publications: (PMID: 28645153, 30046113, 31752325, 30244537, 33199448, 34758253, 37298184, 34498404, deLen-Ojeda2024[paper])

OMIM
Classification: Pathogenic for COMBINED OXIDATIVE PHOSPHORYLATION DEFICIENCY 13. Last evaluated: 2018-10-30. Review status: no assertion criteria provided. Collection method: literature only. Allele origin: germline. Not counted in ClinVar's aggregate classification.

Genomics England Pilot Project, Genomics England
Classification: Likely pathogenic for Combined oxidative phosphorylation defect type 13. Review status: no assertion criteria provided. Criteria: ACGS Guidelines, 2016. Collection method: clinical testing. Allele origin: germline. Affected: yes. Not counted in ClinVar's aggregate classification.

Literature cited by the submitters: PubMed 33199448 (cited by 3 submitters); PubMed 30046113 (cited by 3 submitters); PubMed 28645153 (cited by 3 submitters).

NM_033109.5(PNPT1):c.407G>A (p.Arg136His)

Gene: PNPT1 (polyribonucleotide nucleotidyltransferase 1; minus strand). Cytogenetic location: 2p16.1.
Variant type: single nucleotide variant.
Coding change: c.407G>A on transcript NM_033109.5 (MANE Select); coding-DNA position 407, G replaced by A.
Protein change: p.Arg136His; replaces arginine 136 with histidine.
Molecular consequence: missense variant.
Genome position (GRCh38, 1-based): chr2:55,683,831, C>T on the plus strand (G>A on the coding strand, the complement: PNPT1 is on the minus strand). VCF-style: chr2-55683831-C-T. GRCh37 (hg19) VCF-style: chr2-55910966-C-T.
Other names: c.407G>A (NM_033109.3); short protein forms R136H.
Identifiers: ClinVar variation 587375 (VCV000587375.14), dbSNP rs746356243, ClinGen allele CA1668485.